The following is an entry in ClinVar:

NM_012470.4(TNPO3):c.655A>C (p.Met219Leu)

Gene: TNPO3 (transportin 3; minus strand). Cytogenetic location: 7q32.1.
Variant type: single nucleotide variant.
Coding change: c.655A>C on transcript NM_012470.4 (MANE Select); coding-DNA position 655, A replaced by C.
Protein change: p.Met219Leu; replaces methionine 219 with leucine.
Molecular consequence: missense variant. On other transcripts: non-coding transcript variant (18), intron variant (1).
Genome position (GRCh38, 1-based): chr7:129,005,057, T>G on the plus strand (A>C on the coding strand, the complement: TNPO3 is on the minus strand). VCF-style: chr7-129005057-T-G. GRCh37 (hg19) VCF-style: chr7-128645111-T-G.
Other names: c.655A>C, p.Met219Leu (NM_001191028.3, NM_001382216.1, NM_001382218.1 and 4 more transcripts); c.736A>C, p.Met246Leu (NM_001382217.1); c.553-3823A>C (NM_001382221.1); c.655A>C (NM_012470.3); short protein forms M219L, M246L.
Identifiers: ClinVar variation 3673143 (VCV003673143.3).
Genomic context (GRCh38, chr7:129,005,057, plus strand): 5'-AAATAAGGTCATTACTTACCAAAACCTCAAAAAGGAGTGCTAGTAATTTATTGTTAGCCA[T>G]GAAGTTACTGTCCAAAACTCCCAAGTTAAACCAACTTCCCAAACAGCGAAAAACCTTCAT-3'
Protein context (NP_036602.1, residues 209-229): FNLGVLDSNF[Met219Leu]ANNKLLALLF

ClinVar aggregate classification (germline): Uncertain significance. Review status: criteria provided, multiple submitters, no conflicts (2 of 4 stars). 2 submissions from 2 submitters: Uncertain significance (2). Last evaluated 2025-05-17.

Conditions:
Inborn genetic diseases. Identifiers: MedGen C0950123, MeSH D030342.
Autosomal dominant limb-girdle muscular dystrophy type 1F (LGMDD2). Also called: MUSCULAR DYSTROPHY, LIMB-GIRDLE, AUTOSOMAL DOMINANT 2; Limb-girdle muscular dystrophy, type 1F. Identifiers: Orphanet 55595, MedGen C1842062, MONDO:0012034, OMIM 608423.

gnomAD v4.1: 5 of 1,613,920 alleles (0.00031%); highest among the groups gnomAD compares: Non-Finnish European, 0.00034%; no homozygotes.

Submissions (2):

Ambry Genetics
Classification: Uncertain significance for Inborn genetic diseases. Last evaluated: 2025-05-17. Review status: criteria provided, single submitter. Criteria: Ambry Variant Classification Scheme 2023. Collection method: clinical testing. Allele origin: germline.

Labcorp Genetics (formerly Invitae), Labcorp
Classification: Uncertain significance for Autosomal dominant limb-girdle muscular dystrophy type 1F. Last evaluated: 2024-03-03. Review status: criteria provided, single submitter. Criteria: Invitae Variant Classification Sherloc (09022015). Collection method: clinical testing. Allele origin: germline.
Comment: This sequence change replaces methionine, which is neutral and non-polar, with leucine, which is neutral and non-polar, at codon 219 of the TNPO3 protein (p.Met219Leu). This variant is not present in population databases (gnomAD no frequency). This variant has not been reported in the literature in individuals affected with TNPO3-related conditions. Advanced modeling of protein sequence and biophysical properties (such as structural, functional, and spatial information, amino acid conservation, physicochemical variation, residue mobility, and thermodynamic stability) performed at Invitae indicates that this missense variant is not expected to disrupt TNPO3 protein function with a negative predictive value of 80%. In summary, the available evidence is currently insufficient to determine the role of this variant in disease. Therefore, it has been classified as a Variant of Uncertain Significance.